The following is an entry in ClinVar:

NM_019098.5(CNGB3):c.158T>C (p.Leu53Pro)

Gene: CNGB3 (cyclic nucleotide gated channel subunit beta 3; minus strand). Cytogenetic location: 8q21.3.
Variant type: single nucleotide variant.
Coding change: c.158T>C on transcript NM_019098.5 (MANE Select); coding-DNA position 158, T replaced by C.
Protein change: p.Leu53Pro; replaces leucine 53 with proline.
Molecular consequence: missense variant.
Genome position (GRCh38, 1-based): chr8:86,739,708, A>G on the plus strand (T>C on the coding strand, the complement: CNGB3 is on the minus strand). VCF-style: chr8-86739708-A-G. GRCh37 (hg19) VCF-style: chr8-87751936-A-G.
Other names: short protein forms L53P.
Identifiers: ClinVar variation 2127289 (VCV002127289.4), dbSNP rs2538192007, ClinGen allele CA371456747.

ClinVar aggregate classification (germline): Uncertain significance (1 of 4 stars; one submission).

Allele frequency attached by ClinVar (database versions not stated): gnomAD exomes below 0.00001.
gnomAD v4.1: 1 of 1,605,080 alleles (0.000062%); highest among the groups gnomAD compares: Non-Finnish European, 0.000085%; no homozygotes.

Submission:

Labcorp Genetics (formerly Invitae), Labcorp
Classification: Uncertain significance. Last evaluated: 2022-04-17. Review status: criteria provided, single submitter. Criteria: Invitae Variant Classification Sherloc (09022015). Collection method: clinical testing. Allele origin: germline.
Comment: This variant is not present in population databases (gnomAD no frequency). This variant has not been reported in the literature in individuals affected with CNGB3-related conditions. Advanced modeling of protein sequence and biophysical properties (such as structural, functional, and spatial information, amino acid conservation, physicochemical variation, residue mobility, and thermodynamic stability) performed at Invitae indicates that this missense variant is not expected to disrupt CNGB3 protein function. In summary, the available evidence is currently insufficient to determine the role of this variant in disease. Therefore, it has been classified as a Variant of Uncertain Significance. This sequence change replaces leucine, which is neutral and non-polar, with proline, which is neutral and non-polar, at codon 53 of the CNGB3 protein (p.Leu53Pro).